The following is an entry in ClinVar:

ClinVar aggregate classification (germline): Uncertain significance (1 of 4 stars; one submission).

gnomAD v4.1: 1 of 1,612,218 alleles (0.000062%); highest among the groups gnomAD compares: South Asian, 0.0011%; no homozygotes.

Submission:

Ambry Genetics
Classification: Uncertain significance. Last evaluated: 2025-04-28. Review status: criteria provided, single submitter. Criteria: Ambry Variant Classification Scheme 2023. Collection method: clinical testing. Allele origin: germline.
Comment: The p.H13Y variant (also known as c.37C>T), located in coding exon 1 of the GFI1 gene, results from a C to T substitution at nucleotide position 37. The histidine at codon 13 is replaced by tyrosine, an amino acid with similar properties. This amino acid position is conserved. In addition, the in silico prediction for this alteration is inconclusive. Based on the available evidence, the clinical significance of this variant remains unclear.

NM_005263.5(GFI1):c.37C>T (p.His13Tyr)

Gene: GFI1 (growth factor independent 1 transcriptional repressor; minus strand). Cytogenetic location: 1p22.1.
Variant type: single nucleotide variant.
Coding change: c.37C>T on transcript NM_005263.5 (MANE Select); coding-DNA position 37, C replaced by T.
Protein change: p.His13Tyr; replaces histidine 13 with tyrosine.
Molecular consequence: missense variant.
Genome position (GRCh38, 1-based): chr1:92,483,451, G>A on the plus strand (C>T on the coding strand, the complement: GFI1 is on the minus strand). VCF-style: chr1-92483451-G-A. GRCh37 (hg19) VCF-style: chr1-92949008-G-A.
Other names: c.37C>T, p.His13Tyr (NM_001127215.3, NM_001127216.3); short protein forms H13Y.
Identifiers: ClinVar variation 4029404 (VCV004029404.1).
Genomic context (GRCh38, chr1:92,483,451, plus strand): 5'-GTACATTCTCTAAACGGAGGGAATAGTCTGGTCCTGGGGAGCGCGGCTGGTGGTAGCTGT[G>A]AGCCTTCTTGCTTTTGACGAGAAATGAGCGCGGCATGGTGGTCCGGCACTTTCCCCACTG-3'
Protein context (NP_005254.2, residues 3-23): RSFLVKSKKA[His13Tyr]SYHQPRSPGP